The following is an entry in ClinVar:

NM_001166108.2(PALLD):c.755C>A (p.Pro252Gln)

Gene: PALLD (palladin, cytoskeletal associated protein; plus strand). Cytogenetic location: 4q32.3.
Variant type: single nucleotide variant.
Coding change: c.755C>A on transcript NM_001166108.2 (MANE Select); coding-DNA position 755, C replaced by A.
Protein change: p.Pro252Gln; replaces proline 252 with glutamine.
Molecular consequence: missense variant.
Genome position (GRCh38, 1-based): chr4:168,512,259, C>A. VCF-style: chr4-168512259-C-A. GRCh37 (hg19) VCF-style: chr4-169433410-C-A.
Other names: c.755C>A, p.Pro252Gln (NM_016081.4); short protein forms P252Q.
Identifiers: ClinVar variation 3304123 (VCV003304123.1).

ClinVar aggregate classification (germline): Uncertain significance (1 of 4 stars; one submission).

gnomAD v4.1: 1 of 1,614,028 alleles (0.000062%); highest among the groups gnomAD compares: Non-Finnish European, 0.000085%; no homozygotes.

Submission:

Ambry Genetics
Classification: Uncertain significance. Last evaluated: 2024-06-24. Review status: criteria provided, single submitter. Criteria: Ambry Variant Classification Scheme 2023. Collection method: clinical testing. Allele origin: germline.
Comment: The p.P252Q variant (also known as c.755C>A), located in coding exon 1 of the PALLD gene, results from a C to A substitution at nucleotide position 755. The proline at codon 252 is replaced by glutamine, an amino acid with similar properties. This amino acid position is conserved. In addition, this alteration is predicted to be tolerated by in silico analysis. Based on the available evidence, the clinical significance of this variant remains unclear.